The following is an entry in ClinVar:

ClinVar aggregate classification (germline): Uncertain significance (1 of 4 stars; one submission).

Allele frequency attached by ClinVar (database versions not stated): gnomAD exomes below 0.00001 and 0.00001; ExAC 0.00001.
gnomAD v4.1: 15 of 1,613,292 alleles (0.00093%); highest among the groups gnomAD compares: Non-Finnish European, 0.0013%; no homozygotes.

Submission:

Labcorp Genetics (formerly Invitae), Labcorp
Classification: Uncertain significance. Last evaluated: 2021-09-09. Review status: criteria provided, single submitter. Criteria: Invitae Variant Classification Sherloc (09022015). Collection method: clinical testing. Allele origin: germline.
Comment: This sequence change replaces serine with proline at codon 1036 of the C5 protein (p.Ser1036Pro). The serine residue is weakly conserved and there is a moderate physicochemical difference between serine and proline. This variant is present in population databases (rs771319107, ExAC 0.002%). This variant has not been reported in the literature in individuals affected with C5-related conditions. Algorithms developed to predict the effect of missense changes on protein structure and function output the following: SIFT: "Tolerated"; PolyPhen-2: "Benign"; Align-GVGD: "Class C0". The proline amino acid residue is found in multiple mammalian species, which suggests that this missense change does not adversely affect protein function. In summary, the available evidence is currently insufficient to determine the role of this variant in disease. Therefore, it has been classified as a Variant of Uncertain Significance.

NM_001735.3(C5):c.3106T>C (p.Ser1036Pro)

Gene: C5 (complement C5; minus strand). Cytogenetic location: 9q33.2.
Variant type: single nucleotide variant.
Coding change: c.3106T>C on transcript NM_001735.3 (MANE Select); coding-DNA position 3106, T replaced by C.
Protein change: p.Ser1036Pro; replaces serine 1036 with proline.
Molecular consequence: missense variant.
Genome position (GRCh38, 1-based): chr9:120,989,616, A>G on the plus strand (T>C on the coding strand, the complement: C5 is on the minus strand). VCF-style: chr9-120989616-A-G. GRCh37 (hg19) VCF-style: chr9-123751894-A-G.
Other names: c.3124T>C, p.Ser1042Pro (NM_001317163.2); short protein forms S1042P, S1036P.
Identifiers: ClinVar variation 1521356 (VCV001521356.6), dbSNP rs771319107, ClinGen allele CA5217576.